The following is an entry in ClinVar:

NM_005026.5(PIK3CD):c.695T>C (p.Leu232Pro)

Gene: PIK3CD (phosphatidylinositol-4,5-bisphosphate 3-kinase catalytic subunit delta; plus strand). Cytogenetic location: 1p36.22.
Variant type: single nucleotide variant.
Coding change: c.695T>C on transcript NM_005026.5 (MANE Select); coding-DNA position 695, T replaced by C.
Protein change: p.Leu232Pro; replaces leucine 232 with proline.
Molecular consequence: missense variant.
Genome position (GRCh38, 1-based): chr1:9,716,534, T>C. VCF-style: chr1-9716534-T-C. GRCh37 (hg19) VCF-style: chr1-9776592-T-C.
Other names: c.695T>C, p.Leu232Pro (NM_001350234.2, NM_001350235.1); short protein forms L232P.
Identifiers: ClinVar variation 2705036 (VCV002705036.3), dbSNP rs2524840271, ClinGen allele CA338301178.

ClinVar aggregate classification (germline): Uncertain significance (1 of 4 stars; one submission).

Conditions:
Immunodeficiency 14 (IMD14A). Also called: p110-DELTA-ACTIVATING MUTATION CAUSING SENESCENT T CELLS, LYMPHADENOPATHY, AND IMMUNODEFICIENCY; IMMUNODEFICIENCY 14A WITH LYMPHOPROLIFERATION, AUTOSOMAL DOMINANT; ACTIVATED PI3K-DELTA SYNDROME 1; Activated PI3K Delta Syndrome Type 1 (APDS1). Identifiers: Orphanet 397596, Orphanet 693661, MedGen C5907821, MONDO:0014222, OMIM 615513.

Submission:

Labcorp Genetics (formerly Invitae), Labcorp
Classification: Uncertain significance for Activated PI3K-delta syndrome. Last evaluated: 2023-06-23. Review status: criteria provided, single submitter. Criteria: Invitae Variant Classification Sherloc (09022015). Collection method: clinical testing. Allele origin: germline.
Comment: This variant is not present in population databases (gnomAD no frequency). This sequence change replaces leucine, which is neutral and non-polar, with proline, which is neutral and non-polar, at codon 232 of the PIK3CD protein (p.Leu232Pro). In summary, the available evidence is currently insufficient to determine the role of this variant in disease. Therefore, it has been classified as a Variant of Uncertain Significance. Advanced modeling of protein sequence and biophysical properties (such as structural, functional, and spatial information, amino acid conservation, physicochemical variation, residue mobility, and thermodynamic stability) performed at Invitae indicates that this missense variant is not expected to disrupt PIK3CD protein function. This variant has not been reported in the literature in individuals affected with PIK3CD-related conditions.